The following is an entry in ClinVar:

NM_000489.6(ATRX):c.5761A>G (p.Ser1921Gly)

Gene: ATRX (ATRX chromatin remodeler; minus strand). Cytogenetic location: Xq21.1.
Variant type: single nucleotide variant.
Coding change: c.5761A>G on transcript NM_000489.6 (MANE Select); coding-DNA position 5761, A replaced by G.
Protein change: p.Ser1921Gly; replaces serine 1921 with glycine.
Molecular consequence: missense variant.
Genome position (GRCh38, 1-based): chrX:77,599,757, T>C on the plus strand (A>G on the coding strand, the complement: ATRX is on the minus strand). VCF-style: chrX-77599757-T-C. GRCh37 (hg19) VCF-style: chrX-76855226-T-C.
Other names: c.5647A>G, p.Ser1883Gly (NM_138270.5); short protein forms S1883G, S1921G.
Identifiers: ClinVar variation 2660956 (VCV002660956.24), dbSNP rs2148148691, ClinGen allele CA413697953.

ClinVar aggregate classification (germline): Uncertain significance (1 of 4 stars; one submission).

Submission:

CeGaT Center for Human Genetics Tuebingen
Classification: Uncertain significance. Last evaluated: 2022-10-01. Review status: criteria provided, single submitter. Criteria: CeGaT Center For Human Genetics Tuebingen Variant Classification Criteria Version 2. Collection method: clinical testing. Allele origin: germline. Affected: yes. Observed: 1 variant allele.
Comment: ATRX: PM2, PP2